The following is an entry in ClinVar:

NM_001042492.3(NF1):c.4048A>G (p.Ile1350Val)

Gene: NF1 (neurofibromin 1; plus strand). Cytogenetic location: 17q11.2.
Variant type: single nucleotide variant.
Coding change: c.4048A>G on transcript NM_001042492.3 (MANE Select); coding-DNA position 4048, A replaced by G.
Protein change: p.Ile1350Val; replaces isoleucine 1350 with valine.
Molecular consequence: missense variant.
Genome position (GRCh38, 1-based): chr17:31,249,057, A>G. VCF-style: chr17-31249057-A-G. GRCh37 (hg19) VCF-style: chr17-29576075-A-G.
Other names: c.4048A>G, p.Ile1350Val (NM_000267.4); short protein forms I1350V.
Identifiers: ClinVar variation 561717 (VCV000561717.2), dbSNP rs1567858357, ClinGen allele CA398994972.
Genomic context (GRCh38, chr17:31,249,057, plus strand): 5'-GAGAGCCTTGAGGAAAACCAGCGGAACCTCCTTCAGATGACTGAAAAGTTCTTCCATGCC[A>G]TCATCAGTTCCTCCTCAGAATTCCCCCCTCAACTTCGAAGTGTGTGCCACTGTTTATACC-3'
Protein context (NP_001035957.1, residues 1340-1360): LQMTEKFFHA[Ile1350Val]ISSSSEFPPQ

ClinVar aggregate classification (germline): Uncertain significance. Review status: criteria provided, multiple submitters, no conflicts (2 of 4 stars). 2 submissions from 2 submitters: Uncertain significance (2). Last evaluated 2025-01-15.

Conditions:
Cardiovascular phenotype. Identifiers: MedGen CN230736.
Hereditary cancer-predisposing syndrome. Also called: Hereditary neoplastic syndrome; Neoplastic Syndromes, Hereditary; Tumor predisposition; Hereditary Cancer Syndrome. Identifiers: Orphanet 140162, MedGen C0027672, MeSH D009386, MONDO:0015356.

Submissions (2):

Ambry Genetics
Classification: Uncertain significance for Cardiovascular phenotype; Hereditary cancer-predisposing syndrome. Last evaluated: 2025-01-15. Review status: criteria provided, single submitter. Criteria: Ambry Variant Classification Scheme 2023. Collection method: clinical testing. Allele origin: germline.
Comment: The p.I1350V variant (also known as c.4048A>G), located in coding exon 30 of the NF1 gene, results from an A to G substitution at nucleotide position 4048. The isoleucine at codon 1350 is replaced by valine, an amino acid with highly similar properties. This amino acid position is highly conserved in available vertebrate species. In addition, the in silico prediction for this alteration is inconclusive. Based on the available evidence, the clinical significance of this variant remains unclear.

GeneDx
Classification: Uncertain significance. Last evaluated: 2018-01-04. Review status: criteria provided, single submitter. Criteria: GeneDx Variant Classification (06012015). Collection method: clinical testing. Allele origin: germline. Affected: yes.
Comment: This variant is denoted NF1 c.4048A>G at the cDNA level, p.Ile1350Val (I1350V) at the protein level, and results in the change of an Isoleucine to a Valine (ATC>GTC). This variant has not, to our knowledge, been published in the literature as pathogenic or benign. NF1 Ile1350Val was not observed in large population cohorts (Lek 2016). This variant is located in the GTPase activating protein domain (Thomas 2012). In-silico analysis, which includes protein predictors and evolutionary conservation, supports that this variant does not alter protein structure/function. Based on currently available evidence, it is unclear whether NF1 Ile1350Val is a pathogenic or benign variant. We consider it to be a variant of uncertain significance.